The following is an entry in ClinVar:

ClinVar aggregate classification (germline): Uncertain significance (1 of 4 stars; one submission).

Conditions:
Hyperekplexia 3 (HKPX3). Also called: HYPEREKPLEXIA 3, AUTOSOMAL RECESSIVE; HYPEREKPLEXIA 3, AUTOSOMAL DOMINANT. Identifiers: Orphanet 3197, MedGen C3553288, MONDO:0013827, OMIM 614618.

Allele frequency attached by ClinVar (database versions not stated): gnomAD 0.00001.
gnomAD v4.1: 27 of 1,613,766 alleles (0.0017%); highest among the groups gnomAD compares: South Asian, 0.027%; no homozygotes.

Submission:

Labcorp Genetics (formerly Invitae), Labcorp
Classification: Uncertain significance for Hyperekplexia 3. Last evaluated: 2023-10-13. Review status: criteria provided, single submitter. Criteria: Invitae Variant Classification Sherloc (09022015). Collection method: clinical testing. Allele origin: germline.
Comment: This sequence change replaces valine, which is neutral and non-polar, with leucine, which is neutral and non-polar, at codon 174 of the SLC6A5 protein (p.Val174Leu). This variant is present in population databases (rs768896174, gnomAD 0.02%). This variant has not been reported in the literature in individuals affected with SLC6A5-related conditions. ClinVar contains an entry for this variant (Variation ID: 1506083). Advanced modeling of protein sequence and biophysical properties (such as structural, functional, and spatial information, amino acid conservation, physicochemical variation, residue mobility, and thermodynamic stability) performed at Invitae indicates that this missense variant is not expected to disrupt SLC6A5 protein function. In summary, the available evidence is currently insufficient to determine the role of this variant in disease. Therefore, it has been classified as a Variant of Uncertain Significance.

NM_004211.5(SLC6A5):c.520G>T (p.Val174Leu)

Gene: SLC6A5 (solute carrier family 6 member 5; plus strand). Cytogenetic location: 11p15.1.
Variant type: single nucleotide variant.
Coding change: c.520G>T on transcript NM_004211.5 (MANE Select); coding-DNA position 520, G replaced by T.
Protein change: p.Val174Leu; replaces valine 174 with leucine.
Molecular consequence: missense variant. On other transcripts: 5 prime UTR variant (1).
Genome position (GRCh38, 1-based): chr11:20,601,645, G>T. VCF-style: chr11-20601645-G-T. GRCh37 (hg19) VCF-style: chr11-20623191-G-T.
Other names: c.-44G>T (NM_001318369.2); short protein forms V174L.
Identifiers: ClinVar variation 1506083 (VCV001506083.4), dbSNP rs768896174, ClinGen allele CA5921095.
Genomic context (GRCh38, chr11:20,601,645, plus strand): 5'-ATGAGCCAGAGCACCGTGGTGCTGGCCACGGATGGAATCACGTCCGTGCTCCCGGGCAGC[G>T]TGGCCACCGTTGCCACCCAGGTAAGCAGGTTGCATTACGGCCCGCACAGTGTCCTGCTCT-3'
Protein context (NP_004202.4, residues 164-184): DGITSVLPGS[Val174Leu]ATVATQEDEQ